The following is an entry in ClinVar:

ClinVar aggregate classification (germline): Uncertain significance (1 of 4 stars; one submission).

Allele frequency attached by ClinVar (database versions not stated): gnomAD exomes below 0.00001.
gnomAD v4.1: 3 of 1,612,902 alleles (0.00019%); highest among the groups gnomAD compares: Non-Finnish European, 0.00025%; no homozygotes.

Submission:

Labcorp Genetics (formerly Invitae), Labcorp
Classification: Uncertain significance. Last evaluated: 2023-05-01. Review status: criteria provided, single submitter. Criteria: Invitae Variant Classification Sherloc (09022015). Collection method: clinical testing. Allele origin: germline.
Comment: In summary, the available evidence is currently insufficient to determine the role of this variant in disease. Therefore, it has been classified as a Variant of Uncertain Significance. Advanced modeling of protein sequence and biophysical properties (such as structural, functional, and spatial information, amino acid conservation, physicochemical variation, residue mobility, and thermodynamic stability) performed at Invitae indicates that this missense variant is not expected to disrupt GABRB1 protein function. This variant has not been reported in the literature in individuals affected with GABRB1-related conditions. This variant is not present in population databases (gnomAD no frequency). This sequence change replaces alanine, which is neutral and non-polar, with serine, which is neutral and polar, at codon 25 of the GABRB1 protein (p.Ala25Ser).

NM_000812.4(GABRB1):c.73G>T (p.Ala25Ser)

Gene: GABRB1 (gamma-aminobutyric acid type A receptor subunit beta1; plus strand). Cytogenetic location: 4p12.
Variant type: single nucleotide variant.
Coding change: c.73G>T on transcript NM_000812.4 (MANE Select); coding-DNA position 73, G replaced by T.
Protein change: p.Ala25Ser; replaces alanine 25 with serine.
Molecular consequence: missense variant.
Genome position (GRCh38, 1-based): chr4:47,031,724, G>T. VCF-style: chr4-47031724-G-T. GRCh37 (hg19) VCF-style: chr4-47033741-G-T.
Other names: short protein forms A25S.
Identifiers: ClinVar variation 2795217 (VCV002795217.3), dbSNP rs2475082748, ClinGen allele CA356805266.